The following is an entry in ClinVar:

NM_001913.5(CUX1):c.1764+5G>A

Gene: CUX1 (cut like homeobox 1; plus strand). Cytogenetic location: 7q22.1.
Variant type: single nucleotide variant.
Coding change: c.1764+5G>A on transcript NM_001913.5 (MANE Plus Clinical); 5 bases into the intron after coding-DNA position 1764, G replaced by A.
Molecular consequence: intron variant.
Genome position (GRCh38, 1-based): chr7:102,280,125, G>A. VCF-style: chr7-102280125-G-A. GRCh37 (hg19) VCF-style: chr7-101923417-G-A.
Other names: c.1758+5G>A (NM_181500.4); c.1626+5G>A (NM_001202545.3); c.1716+5G>A (NM_001202544.3); c.1647+5G>A (NM_001202546.3).
Identifiers: ClinVar variation 4821916 (VCV004821916.4).

ClinVar aggregate classification (germline): Likely benign (1 of 4 stars; one submission).

gnomAD v4.1: 88 of 1,601,032 alleles (0.0055%); highest among the groups gnomAD compares: Admixed American, 0.015%; 1 homozygote.

Submission:

CeGaT Center for Human Genetics Tuebingen
Classification: Likely benign. Last evaluated: 2026-03-01. Review status: criteria provided, single submitter. Criteria: CeGaT Center For Human Genetics Tuebingen Variant Classification Criteria Version 2. Collection method: clinical testing. Allele origin: germline. Affected: yes. Observed: 1 variant allele.
Comment: CUX1: BS2